The following is an entry in ClinVar:

ClinVar aggregate classification (germline): Pathogenic (1 of 4 stars; one submission).

Conditions:
Abetalipoproteinaemia (ABL). Also called: MTP DEFICIENCY; Abetalipoproteinemia; Abetalipoproteinemia neuropathy; Apolipoprotein B deficiency; Congenital betalipoprotein deficiency syndrome. Identifiers: Orphanet 14, MedGen C0000744, MONDO:0008692, OMIM 200100, HP:0008181.

Submission:

Myriad Genetics, Inc.
Classification: Pathogenic for Abetalipoproteinaemia. Last evaluated: 2024-05-14. Review status: criteria provided, single submitter. Criteria: Myriad Autosomal Dominant, Autosomal Recessive and X-Linked Classification Criteria (2023). Collection method: clinical testing. Allele origin: unknown.
Comment: NM_000253.2(MTTP):c.649_650ins17(V217Dfs*2) is expected to be pathogenic in the context of abetalipoproteinemia. This variant is predicted to lead to an abnormal or absent protein product due to the creation of a premature termination codon in MTTP, a gene where loss-of-function variants are known to be pathogenic. Please note: this variant was assessed in the context of healthy population screening.

NM_001386140.1(MTTP):c.649_650insATTAGAAATTCTTAAAA (p.Val217delinsAspTer)

Gene: MTTP (microsomal triglyceride transfer protein; plus strand). Cytogenetic location: 4q23.
Variant type: Insertion.
Coding change: c.649_650insATTAGAAATTCTTAAAA on transcript NM_001386140.1 (MANE Select); coding-DNA positions 649 to 650, ATTAGAAATTCTTAAAA inserted.
Protein change: p.Val217delinsAspTer.
Molecular consequence: nonsense.
Genome position: GRCh38 VCF-style: chr4-99591681-G-GATTAGAAATTCTTAAAA. GRCh37 (hg19) VCF-style: chr4-100512838-G-GATTAGAAATTCTTAAAA.
Other names: c.649_650insATTAGAAATTCTTAAAA, p.Val217delinsAspTer (NM_000253.4); c.400_401insATTAGAAATTCTTAAAA, p.Val134delinsAspTer (NM_001300785.2).
Identifiers: ClinVar variation 5010735 (VCV005010735.1).
Genomic context (GRCh38, chr4:99,591,681, plus strand): 5'-TGTTATAAAGATGGCTATTTATTTATTTAGGTCTTGGGTGTCAGTTCAAAAGCTACATCT[G>GATTAGAAATTCTTAAAA]TCACCACCTATAAGATAGAAGACAGCTTTGTTATAGCTGTGCTTGCTGAAGAAACACACA-3'